The following is an entry in ClinVar:

ClinVar aggregate classification (germline): Conflicting classifications of pathogenicity. Review status: criteria provided, conflicting classifications (1 of 4 stars). 3 submissions from 3 submitters: Uncertain significance (2); Likely benign (1). Last evaluated 2024-07-23.

Conditions:
Hereditary cancer-predisposing syndrome. Also called: Neoplastic Syndromes, Hereditary; Tumor predisposition; Hereditary Cancer Syndrome; Hereditary neoplastic syndrome. Identifiers: Orphanet 140162, MedGen C0027672, MeSH D009386, MONDO:0015356.
Hereditary breast ovarian cancer syndrome. Also called: Hereditary breast and/or ovarian cancer syndrome; Hereditary breast and ovarian cancer; Hereditary breast and ovarian cancer syndrome (HBOC); Hereditary breast and ovarian cancer syndrome; Breast and ovarian cancer; BRCA1- and BRCA2-Associated Hereditary Breast and Ovarian Cancer. Identifiers: Orphanet 145, MedGen C0677776, MeSH D061325, MONDO:0003582. Disease mechanism: loss of function.

gnomAD v4.1: 4 of 1,613,392 alleles (0.00025%); highest among the groups gnomAD compares: Non-Finnish European, 0.00034%; no homozygotes.

Submissions (3):

Labcorp Genetics (formerly Invitae), Labcorp
Classification: Uncertain significance for Hereditary breast ovarian cancer syndrome. Last evaluated: 2024-07-23. Review status: criteria provided, single submitter. Criteria: Invitae Variant Classification Sherloc (09022015). Collection method: clinical testing. Allele origin: germline.
Comment: This sequence change replaces leucine, which is neutral and non-polar, with phenylalanine, which is neutral and non-polar, at codon 1019 of the BRCA2 protein (p.Leu1019Phe). This variant is not present in population databases (gnomAD no frequency). This variant has not been reported in the literature in individuals affected with BRCA2-related conditions. ClinVar contains an entry for this variant (Variation ID: 1799295). Advanced modeling of protein sequence and biophysical properties (such as structural, functional, and spatial information, amino acid conservation, physicochemical variation, residue mobility, and thermodynamic stability) performed at Invitae indicates that this missense variant is not expected to disrupt BRCA2 protein function with a negative predictive value of 95%. In summary, the available evidence is currently insufficient to determine the role of this variant in disease. Therefore, it has been classified as a Variant of Uncertain Significance.

University of Washington Department of Laboratory Medicine, University of Washington
Classification: Likely benign for Hereditary cancer-predisposing syndrome. Last evaluated: 2023-03-23. Review status: criteria provided, single submitter. Criteria: Dines et al. (Genet Med. 2020). Collection method: curation. Allele origin: germline.
Comment: Missense variant in a coldspot region where missense variants are very unlikely to be pathogenic (PMID:31911673).

BRCA2 exon 11 coldspot. Reclassification based on statistical prior probability.

Ambry Genetics
Classification: Uncertain significance for Hereditary cancer-predisposing syndrome. Last evaluated: 2021-08-27. Review status: criteria provided, single submitter. Criteria: Ambry Variant Classification Scheme 2023. Collection method: clinical testing. Allele origin: germline.
Comment: The p.L1019F variant (also known as c.3055C>T), located in coding exon 10 of the BRCA2 gene, results from a C to T substitution at nucleotide position 3055. The leucine at codon 1019 is replaced by phenylalanine, an amino acid with highly similar properties. This amino acid position is not well conserved in available vertebrate species. In addition, this alteration is predicted to be tolerated by in silico analysis. Since supporting evidence is limited at this time, the clinical significance of this alteration remains unclear.

NM_000059.4(BRCA2):c.3055C>T (p.Leu1019Phe)

Gene: BRCA2 (BRCA2 DNA repair associated; plus strand). Cytogenetic location: 13q13.1.
Variant type: single nucleotide variant.
Coding change: c.3055C>T on transcript NM_000059.4 (MANE Select); coding-DNA position 3055, C replaced by T.
Protein change: p.Leu1019Phe; replaces leucine 1019 with phenylalanine.
Molecular consequence: missense variant.
Genome position (GRCh38, 1-based): chr13:32,337,410, C>T. VCF-style: chr13-32337410-C-T. GRCh37 (hg19) VCF-style: chr13-32911547-C-T.
Other names: c.3055C>T, p.Leu1019Phe (NM_001406719.1, NM_001406720.1); short protein forms L1019F.
Identifiers: ClinVar variation 1799295 (VCV001799295.7), dbSNP rs55638633, ClinGen allele CA387775085.